The following is an entry in ClinVar:

GRCh37/hg19 17q11.2(chr17:28997893-30391813)x1

Genes: ADAP2 (ArfGAP with dual PH domains 2; plus strand), CRLF3 (cytokine receptor like factor 3; minus strand), EVI2A (ecotropic viral integration site 2A; minus strand), EVI2B (ecotropic viral integration site 2B; minus strand), ATAD5 (ATPase family AAA domain containing 5; plus strand) and 10 more. Cytogenetic location: 17q11.2.
Variant type: copy number loss.
Change: copy number 1 (one copy instead of two) of chr17:28,997,893-30,391,813 (1.39 Mb, GRCh37 coordinates, 1-based), cytogenetic band 17q11.2.
Identifiers: ClinVar variation 564425 (VCV000564425.4).

ClinVar aggregate classification (germline): Pathogenic (1 of 4 stars; one submission).

Submission:

Quest Diagnostics Nichols Institute San Juan Capistrano
Classification: Pathogenic. Last evaluated: 2022-08-25. Review status: criteria provided, single submitter. Criteria: ACMG/ClinGen CNV Guidelines, 2019. Collection method: clinical testing. Allele origin: unknown.
Comment: The 17q11.2 deletion interval involves several genes, including NF1 (OMIM 613113), and is associated with chromosome 17q11.2 deletion syndrome (OMIM 613675; Jenne et al., Am J Hum Genet. 2001 Sep;69(3):516-27. PMID: 11468690; Mautner et al., J Med Genet. 2010 Sep;47(9):623-30. PMID: 20543202; Pasmant et al., Hum Mutat. 2010 Jun;31(6):E1506-18. PMID: 20513137; GeneReviews [Internet]. Based on current literature, this copy number variant is classified as pathogenic.